The following is an entry in ClinVar:

NM_001558.4(IL10RA):c.1409C>G (p.Thr470Arg)

Gene: IL10RA (interleukin 10 receptor subunit alpha; plus strand). Cytogenetic location: 11q23.3.
Variant type: single nucleotide variant.
Coding change: c.1409C>G on transcript NM_001558.4 (MANE Select); coding-DNA position 1409, C replaced by G.
Protein change: p.Thr470Arg; replaces threonine 470 with arginine.
Molecular consequence: missense variant. On other transcripts: non-coding transcript variant (1).
Genome position (GRCh38, 1-based): chr11:117,999,313, C>G. VCF-style: chr11-117999313-C-G. GRCh37 (hg19) VCF-style: chr11-117870028-C-G.
Other names: short protein forms T470R.
Identifiers: ClinVar variation 2047473 (VCV002047473.4), dbSNP rs1199610710, ClinGen allele CA382781128.
Genomic context (GRCh38, chr11:117,999,313, plus strand): 5'-CCAGATGTGCTGAAGAGAAGGCAACCAAGACAGGCTGCCTGGAGGAAGAATCGCCCTTGA[C>G]AGATGGCCTTGGCCCCAAATTCGGGAGATGCCTGGTTGATGAGGCAGGCTTGCATCCACC-3'
Protein context (NP_001549.2, residues 460-480): TGCLEEESPL[Thr470Arg]DGLGPKFGRC

ClinVar aggregate classification (germline): Uncertain significance (1 of 4 stars; one submission).

Conditions:
Inflammatory bowel disease 28. Also called: Inflammatory bowel disease 28, early onset, autosomal recessive. Identifiers: Orphanet 238569, MedGen C2751053, MONDO:0013153, OMIM 613148.

Submission:

Labcorp Genetics (formerly Invitae), Labcorp
Classification: Uncertain significance for Inflammatory bowel disease 28. Last evaluated: 2021-12-18. Review status: criteria provided, single submitter. Criteria: Invitae Variant Classification Sherloc (09022015). Collection method: clinical testing. Allele origin: germline.
Comment: In summary, the available evidence is currently insufficient to determine the role of this variant in disease. Therefore, it has been classified as a Variant of Uncertain Significance. Algorithms developed to predict the effect of missense changes on protein structure and function are either unavailable or do not agree on the potential impact of this missense change (SIFT: "Tolerated"; PolyPhen-2: "Possibly Damaging"; Align-GVGD: "Class C0"). This variant has not been reported in the literature in individuals affected with IL10RA-related conditions. This variant is not present in population databases (gnomAD no frequency). This sequence change replaces threonine, which is neutral and polar, with arginine, which is basic and polar, at codon 470 of the IL10RA protein (p.Thr470Arg).